The following is an entry in ClinVar:

NM_004064.5(CDKN1B):c.214_215dup (p.Lys73fs)

Gene: CDKN1B (cyclin dependent kinase inhibitor 1B; plus strand). Cytogenetic location: 12p13.1.
Variant type: Duplication.
Coding change: c.214_215dup on transcript NM_004064.5 (MANE Select); coding-DNA positions 214 to 215, 2 bases duplicated (GG; older notation c.214_215dupGG).
Protein change: p.Lys73fs; shifts the reading frame from lysine 73.
Molecular consequence: frameshift variant.
Genome position (GRCh38, 1-based): chr12:12,718,053-12,718,054, GG duplicated; duplicating any 2 consecutive bases within chr12:12,718,052-12,718,054 gives the same sequence; the c. name uses the placement nearest the transcript's 3' end. VCF-style (leftmost placement, unchanged base first): chr12-12718051-A-AGG. GRCh37 (hg19) VCF-style: chr12-12870985-A-AGG.
Other names: short protein forms K73fs.
Identifiers: ClinVar variation 4714675 (VCV004714675.1).

ClinVar aggregate classification (germline): Pathogenic (1 of 4 stars; one submission).

Conditions:
Multiple endocrine neoplasia type 4. Also called: MULTIPLE ENDOCRINE NEOPLASIA, TYPE IV. Identifiers: Orphanet 276152, MedGen C1970712, MONDO:0012552, OMIM 610755.

Submission:

Labcorp Genetics (formerly Invitae), Labcorp
Classification: Pathogenic for Multiple endocrine neoplasia type 4. Last evaluated: 2025-05-07. Review status: criteria provided, single submitter. Criteria: Invitae Variant Classification Sherloc (09022015). Collection method: clinical testing. Allele origin: germline.
Comment: This sequence change creates a premature translational stop signal (p.Lys73Alafs*47) in the CDKN1B gene. It is expected to result in an absent or disrupted protein product. Loss-of-function variants in CDKN1B are known to be pathogenic (PMID: 17030811, 24819502). This variant is not present in population databases (gnomAD no frequency). This variant has not been reported in the literature in individuals affected with CDKN1B-related conditions. For these reasons, this variant has been classified as Pathogenic.

Literature cited by the submitters: PubMed 17030811; PubMed 24819502.